The following is an entry in ClinVar:

ClinVar aggregate classification (germline): Uncertain significance (1 of 4 stars; one submission).

Conditions:
Pyogenic bacterial infections due to MyD88 deficiency (IMD68). Also called: PYOGENIC BACTERIAL INFECTIONS, RECURRENT, DUE TO MYD88 DEFICIENCY. Identifiers: Orphanet 183713, MedGen C2677092, MONDO:0012839, OMIM 612260.

Submission:

Labcorp Genetics (formerly Invitae), Labcorp
Classification: Uncertain significance for Pyogenic bacterial infections due to MyD88 deficiency. Last evaluated: 2023-11-28. Review status: criteria provided, single submitter. Criteria: Invitae Variant Classification Sherloc (09022015). Collection method: clinical testing. Allele origin: germline.
Comment: This sequence change replaces cysteine, which is neutral and slightly polar, with glycine, which is neutral and non-polar, at codon 293 of the MYD88 protein (p.Cys293Gly). This variant is not present in population databases (gnomAD no frequency). This variant has not been reported in the literature in individuals affected with MYD88-related conditions. ClinVar contains an entry for this variant (Variation ID: 1430851). An algorithm developed to predict the effect of missense changes on protein structure and function (PolyPhen-2) suggests that this variant is likely to be tolerated. In summary, the available evidence is currently insufficient to determine the role of this variant in disease. Therefore, it has been classified as a Variant of Uncertain Significance.

NM_002468.5(MYD88):c.838T>G (p.Cys280Gly)

Gene: MYD88 (MYD88 innate immune signal transduction adaptor; plus strand). Cytogenetic location: 3p22.2.
Variant type: single nucleotide variant.
Coding change: c.838T>G on transcript NM_002468.5 (MANE Select); coding-DNA position 838, T replaced by G.
Protein change: p.Cys280Gly; replaces cysteine 280 with glycine.
Molecular consequence: missense variant. On other transcripts: 3 prime UTR variant (5).
Genome position (GRCh38, 1-based): chr3:38,141,233, T>G. VCF-style: chr3-38141233-T-G. GRCh37 (hg19) VCF-style: chr3-38182724-T-G.
Other names: c.*81T>G (NM_001172566.2, NM_001172569.3, NM_001365876.1 and 2 more transcripts); c.862T>G, p.Cys288Gly (NM_001172567.2); c.703T>G, p.Cys235Gly (NM_001172568.2); short protein forms C235G, C280G, C288G.
Identifiers: ClinVar variation 1430851 (VCV001430851.6), dbSNP rs1156691174, ClinGen allele CA352134519.
Genomic context (GRCh38, chr3:38,141,233, plus strand): 5'-ATGAAGAAAGAGTTCCCCAGCATCCTGAGGTTCATCACTGTCTGCGACTACACCAACCCC[T>G]GCACCAAATCTTGGTTCTGGACTCGCCTTGCCAAGGCCTTGTCCCTGCCCTGAAGACTGT-3'
Protein context (NP_002459.3, residues 270-290): FITVCDYTNP[Cys280Gly]TKSWFWTRLA